The following is an entry in ClinVar:

NM_000363.5(TNNI3):c.109-11C>T

Gene: TNNI3 (troponin I3, cardiac type; minus strand). Cytogenetic location: 19q13.42.
Variant type: single nucleotide variant.
Coding change: c.109-11C>T on transcript NM_000363.5 (MANE Select); 11 bases into the intron before coding-DNA position 109, C replaced by T.
Molecular consequence: intron variant.
Genome position (GRCh38, 1-based): chr19:55,156,655, G>A on the plus strand (C>T on the coding strand, the complement: TNNI3 is on the minus strand). VCF-style: chr19-55156655-G-A. GRCh37 (hg19) VCF-style: chr19-55668023-G-A.
Identifiers: ClinVar variation 3386106 (VCV003386106.2).

ClinVar aggregate classification (germline): Likely benign. Review status: criteria provided, multiple submitters, no conflicts (2 of 4 stars). 2 submissions from 2 submitters: Likely benign (2). Last evaluated 2024-05-14.

Conditions:
Hypertrophic cardiomyopathy. Also called: HYPERTROPHIC MYOCARDIOPATHY. Identifiers: Orphanet 217569, MedGen C0007194, MeSH D002312, MONDO:0005045, HP:0001639.
Cardiomyopathy (CMYO). Also called: Cardiomyopathies. Identifiers: Orphanet 167848, MedGen C0878544, MONDO:0004994, HP:0001638. Inheritance: Various modes of inheritance.

gnomAD v4.1: 2 of 1,563,090 alleles (0.00013%); highest among the groups gnomAD compares: Non-Finnish European, 0.00017%; no homozygotes.

Submissions (2):

All of Us Research Program, National Institutes of Health
Classification: Likely benign for Hypertrophic cardiomyopathy. Last evaluated: 2024-05-14. Review status: criteria provided, single submitter. Criteria: ACMG Guidelines, 2015. Collection method: clinical testing. Allele origin: germline. Inheritance: Autosomal dominant inheritance. Observed: 1 variant allele, 1 heterozygote.
Comment: This study involves interpretation of variants in research participants for the purpose of population health screening. Participant phenotype was not available at the time of variant classification. Additional details can be found in publication PMID: 35346344, PMCID: PMC8962531

Color Diagnostics, LLC DBA Color Health
Classification: Likely benign for Cardiomyopathy. Last evaluated: 2024-04-24. Review status: criteria provided, single submitter. Criteria: ACMG Guidelines, 2015. Collection method: clinical testing. Allele origin: germline.